The following is an entry in ClinVar:

ClinVar aggregate classification (germline): Benign/Likely benign. Review status: criteria provided, multiple submitters, no conflicts (2 of 4 stars). 8 submissions from 8 submitters: Benign (3); Likely benign (5). Last evaluated 2026-01-04.

Conditions:
Nephrotic syndrome, type 3 (NPHS3). Also called: NEPHROTIC SYNDROME, EARLY-ONSET, TYPE 3. Identifiers: Orphanet 656, MedGen C1853124, MONDO:0012546, OMIM 610725.
Focal segmental glomerulosclerosis (FSGS). Also called: Glomerulosclerosis, focal; Focal sclerosis with hyalinosis. Identifiers: MedGen C0017668, MONDO:0100313, HP:0000097. Disease mechanism: loss of function.

Allele frequency attached by ClinVar (database versions not stated): gnomAD exomes 0.00087; ExAC 0.00101; gnomAD 0.00315; TOPMed 0.00318; ESP Exome Variant Server 0.00378; 1000 Genomes Project 30x 0.00437; 1000 Genomes Project 0.00459.
gnomAD v4.1: 940 of 1,613,686 alleles (0.058%); highest among the groups gnomAD compares: African/African-American, 1.1%; 4 homozygotes.

Submissions (11):

Labcorp Genetics (formerly Invitae), Labcorp
Classification: Benign. Last evaluated: 2026-01-04. Review status: criteria provided, single submitter. Criteria: Invitae Variant Classification Sherloc (09022015). Collection method: clinical testing. Allele origin: germline.

Blueprint Genetics
Classification: Likely benign. Last evaluated: 2024-03-26. Review status: criteria provided, single submitter. Criteria: ACMG Guidelines, 2015. Collection method: clinical testing. Allele origin: germline.

GeneDx
Classification: Likely benign. Last evaluated: 2022-01-31. Review status: criteria provided, single submitter. Criteria: GeneDx Variant Classification Process June 2021. Collection method: clinical testing. Allele origin: germline. Affected: yes.

Genome Diagnostics Laboratory, The Hospital for Sick Children
Classification: Likely benign for Focal segmental glomerulosclerosis. Last evaluated: 2021-04-01. Review status: criteria provided, single submitter. Criteria: ACMG Guidelines, 2015. Collection method: clinical testing. Allele origin: germline.

Athena Diagnostics
Classification: Likely benign. Last evaluated: 2018-12-31. Review status: criteria provided, single submitter. Criteria: Athena Diagnostics Criteria. Collection method: clinical testing. Allele origin: germline.

Illumina Laboratory Services, Illumina
Classification: Benign for Nephrotic syndrome, type 3. Last evaluated: 2018-01-13. Review status: criteria provided, single submitter. Criteria: ICSL Variant Classification Criteria 13 December 2019. Collection method: clinical testing. Allele origin: germline.
Comment: This variant was observed in the ICSL laboratory as part of a predisposition screen in an ostensibly healthy population. It had not been previously curated by ICSL or reported in the Human Gene Mutation Database (HGMD: prior to June 1st, 2018), and was therefore a candidate for classification through an automated scoring system. Utilizing variant allele frequency, disease prevalence and penetrance estimates, and inheritance mode, an automated score was calculated to assess if this variant is too frequent to cause the disease. Based on the score and internal cut-off values, a variant classified as benign is not then subjected to further curation. The score for this variant resulted in a classification of benign for this disease.

Breakthrough Genomics
Classification: Likely benign. Review status: criteria provided, single submitter. Criteria: ACMG Guidelines, 2015. Collection method: not provided. Allele origin: germline. Inheritance: Autosomal recessive inheritance. Affected: yes.

PreventionGenetics, part of Exact Sciences
Classification: Benign. Review status: criteria provided, single submitter. Criteria: ACMG Guidelines, 2015. Collection method: clinical testing. Allele origin: germline.

Dr. Peter K. Rogan Lab, Western University
No classification provided (evidence only). Condition: Clear cell carcinoma of kidney. Review status: no classification provided. Collection method: in vitro. Allele origin: not applicable. Functional consequence: retained intron. Not counted in ClinVar's aggregate classification.

Dr. Peter K. Rogan Lab, Western University
No classification provided (evidence only). Condition: Uterine corpus endometrial carcinoma. Review status: no classification provided. Collection method: in vitro. Allele origin: not applicable. Functional consequence: retained intron. Not counted in ClinVar's aggregate classification.

Dr. Peter K. Rogan Lab, Western University
No classification provided (evidence only). Condition: Nonpapillary renal cell carcinoma. Review status: no classification provided. Collection method: in vitro. Allele origin: not applicable. Functional consequence: retained intron. Not counted in ClinVar's aggregate classification.

NM_016341.4(PLCE1):c.227C>T (p.Ala76Val)

Gene: PLCE1 (phospholipase C epsilon 1; plus strand). Cytogenetic location: 10q23.33.
Variant type: single nucleotide variant.
Coding change: c.227C>T on transcript NM_016341.4 (MANE Select); coding-DNA position 227, C replaced by T.
Protein change: p.Ala76Val; replaces alanine 76 with valine.
Molecular consequence: missense variant.
Genome position (GRCh38, 1-based): chr10:94,031,273, C>T. VCF-style: chr10-94031273-C-T. GRCh37 (hg19) VCF-style: chr10-95791030-C-T.
Other names: c.227C>T, p.Ala76Val (NM_001288989.2); short protein forms A76V.
Identifiers: ClinVar variation 260716 (VCV000260716.23), dbSNP rs61749238, ClinGen allele CA5612095.
Genomic context (GRCh38, chr10:94,031,273, plus strand): 5'-AACTGAACAAACTTAAAGAAGAACCTTCTGGAAGCAACTTGCCAAAGATTCTCTCAATAG[C>T]GAGGGAGAAAATAGTGAGTGATGAGAACAGTAATGAAAAATGTTGGGAGAAAATCATGCC-3'
Protein context (NP_057425.3, residues 66-86): GSNLPKILSI[Ala76Val]REKIVSDENS